The following is an entry in ClinVar:

NM_004630.4(SF1):c.836G>C (p.Cys279Ser)

Gene: SF1 (splicing factor 1; minus strand). Cytogenetic location: 11q13.1.
Variant type: single nucleotide variant.
Coding change: c.836G>C on transcript NM_004630.4 (MANE Select); coding-DNA position 836, G replaced by C.
Protein change: p.Cys279Ser; replaces cysteine 279 with serine.
Molecular consequence: missense variant.
Genome position (GRCh38, 1-based): chr11:64,769,073, C>G on the plus strand (G>C on the coding strand, the complement: SF1 is on the minus strand). VCF-style: chr11-64769073-C-G. GRCh37 (hg19) VCF-style: chr11-64536545-C-G.
Other names: c.836G>C, p.Cys279Ser (NM_001440583.1, NM_201995.3, NM_201997.3 and 4 more transcripts); c.758G>C, p.Cys253Ser (NM_001440584.1, NM_001440585.1, NM_001178031.3); c.491G>C, p.Cys164Ser (NM_001346409.2, NM_001346410.2); c.1211G>C, p.Cys404Ser (NM_001378956.1, NM_001378957.1, NM_001440580.1 and 2 more transcripts); short protein forms C164S, C253S, C279S, C404S.
Identifiers: ClinVar variation 4282473 (VCV004282473.1).
Genomic context (GRCh38, chr11:64,769,073, plus strand): 5'-GCCCCTCACCTTTGGAATTTACAGTCTGAAGCAATGTGGCCAGCCCCTCCACACTTGGTA[C>G]ACACTGTGGTGTTGGTAATGCTGCGGGTCTCTGAGCTCTGCCAGGGTCTTAAGATCCTAT-3'
Protein context (NP_004621.2, residues 269-289): ETRSITNTTV[Cys279Ser]TKCGGAGHIA

ClinVar aggregate classification (germline): Uncertain significance (1 of 4 stars; one submission).

Submission:

GeneDx
Classification: Uncertain significance. Last evaluated: 2024-12-09. Review status: criteria provided, single submitter. Criteria: GeneDx Variant Classification Process June 2021. Collection method: clinical testing. Allele origin: germline. Affected: yes.
Comment: Not observed at significant frequency in large population cohorts (gnomAD); In silico analysis supports that this missense variant has a deleterious effect on protein structure/function; Has not been previously published as pathogenic or benign to our knowledge; Variants in candidate genes are classified as variants of uncertain significance in accordance with ACMG guidelines (PMID: 25741868)